The following is an entry in ClinVar:

NM_006343.3(MERTK):c.593A>G (p.His198Arg)

Gene: MERTK (MER proto-oncogene, tyrosine kinase; plus strand). Cytogenetic location: 2q13.
Variant type: single nucleotide variant.
Coding change: c.593A>G on transcript NM_006343.3 (MANE Select); coding-DNA position 593, A replaced by G.
Protein change: p.His198Arg; replaces histidine 198 with arginine.
Molecular consequence: missense variant.
Genome position (GRCh38, 1-based): chr2:111,947,403, A>G. VCF-style: chr2-111947403-A-G. GRCh37 (hg19) VCF-style: chr2-112704980-A-G.
Other names: short protein forms H198R.
Identifiers: ClinVar variation 1397049 (VCV001397049.8), dbSNP rs2104704598, ClinGen allele CA348228964.

ClinVar aggregate classification (germline): Uncertain significance (1 of 4 stars; one submission).

Allele frequency attached by ClinVar (database versions not stated): gnomAD exomes 0.00001.
gnomAD v4.1: 13 of 1,613,794 alleles (0.00081%); highest among the groups gnomAD compares: Non-Finnish European, 0.0011%; no homozygotes.

Submission:

Labcorp Genetics (formerly Invitae), Labcorp
Classification: Uncertain significance. Last evaluated: 2022-02-05. Review status: criteria provided, single submitter. Criteria: Invitae Variant Classification Sherloc (09022015). Collection method: clinical testing. Allele origin: germline.
Comment: In summary, the available evidence is currently insufficient to determine the role of this variant in disease. Therefore, it has been classified as a Variant of Uncertain Significance. Algorithms developed to predict the effect of missense changes on protein structure and function are either unavailable or do not agree on the potential impact of this missense change (SIFT: "Deleterious"; PolyPhen-2: "Possibly Damaging"; Align-GVGD: "Class C0"). This variant has not been reported in the literature in individuals affected with MERTK-related conditions. This variant is not present in population databases (gnomAD no frequency). This sequence change replaces histidine, which is basic and polar, with arginine, which is basic and polar, at codon 198 of the MERTK protein (p.His198Arg).